The following is an entry in ClinVar:

ClinVar aggregate classification (germline): Uncertain significance (1 of 4 stars; one submission).

Allele frequency attached by ClinVar (database versions not stated): ExAC 0.00002.
gnomAD v4.1: 3 of 1,210,586 alleles (0.00025%); highest among the groups gnomAD compares: South Asian, 0.0035%; no homozygotes.

Submission:

Labcorp Genetics (formerly Invitae), Labcorp
Classification: Uncertain significance. Last evaluated: 2022-10-08. Review status: criteria provided, single submitter. Criteria: Invitae Variant Classification Sherloc (09022015). Collection method: clinical testing. Allele origin: germline.
Comment: This variant is present in population databases (rs782786816, gnomAD 0.01%). This variant has not been reported in the literature in individuals affected with BCAP31-related conditions. In summary, the available evidence is currently insufficient to determine the role of this variant in disease. Therefore, it has been classified as a Variant of Uncertain Significance. Algorithms developed to predict the effect of missense changes on protein structure and function (SIFT, PolyPhen-2, Align-GVGD) all suggest that this variant is likely to be disruptive. This sequence change replaces proline, which is neutral and non-polar, with serine, which is neutral and polar, at codon 25 of the BCAP31 protein (p.Pro25Ser).

NM_001256447.2(BCAP31):c.73C>T (p.Pro25Ser)

Gene: BCAP31 (B cell receptor associated protein 31; minus strand). Cytogenetic location: Xq28.
Variant type: single nucleotide variant.
Coding change: c.73C>T on transcript NM_001256447.2 (MANE Select); coding-DNA position 73, C replaced by T.
Protein change: p.Pro25Ser; replaces proline 25 with serine.
Molecular consequence: missense variant.
Genome position (GRCh38, 1-based): chrX:153,723,172, G>A on the plus strand (C>T on the coding strand, the complement: BCAP31 is on the minus strand). VCF-style: chrX-153723172-G-A. GRCh37 (hg19) VCF-style: chrX-152988627-G-A.
Other names: c.73C>T, p.Pro25Ser (NM_001139441.1, NM_005745.8); c.274C>T, p.Pro92Ser (NM_001139457.2); short protein forms P25S, P92S.
Identifiers: ClinVar variation 1720689 (VCV001720689.5), dbSNP rs782786816, ClinGen allele CA10549853.